The following is an entry in ClinVar:

NM_020751.3(COG6):c.1692+179G>A

Gene: COG6 (component of oligomeric golgi complex 6; plus strand). Cytogenetic location: 13q14.11.
Variant type: single nucleotide variant.
Coding change: c.1692+179G>A on transcript NM_020751.3 (MANE Select); 179 bases into the intron after coding-DNA position 1692, G replaced by A.
Molecular consequence: intron variant.
Genome position (GRCh38, 1-based): chr13:39,723,619, G>A. VCF-style: chr13-39723619-G-A. GRCh37 (hg19) VCF-style: chr13-40297756-G-A.
Other names: c.1692+179G>A (NM_001145079.2).
Identifiers: ClinVar variation 4813957 (VCV004813957.1).
Genomic context (GRCh38, chr13:39,723,619, plus strand): 5'-TGACTTATTTTTCTGTATCTGTTTCCTTACCTGTGGATTGGGGGTAATAATAGTATCTGT[G>A]TCATAGGATTGTTCTTAAGACATAATACATGCATAGTTCTTAGATGACTTCCTAAAATAT-3'

ClinVar aggregate classification (germline): Likely benign (1 of 4 stars; one submission).

gnomAD v4.1: 1,602 of 152,108 alleles (1.1%); highest among the groups gnomAD compares: Non-Finnish European, 1.6%; 16 homozygotes.

Submission:

GeneDx
Classification: Likely benign. Last evaluated: 2021-05-19. Review status: criteria provided, single submitter. Criteria: GeneDx Variant Classification Process June 2021. Collection method: clinical testing. Allele origin: germline. Affected: yes.
Comment: See Variant Classification Assertion Criteria.